The following is an entry in ClinVar:

NM_024757.5(EHMT1):c.3003C>A (p.Asp1001Glu)

Gene: EHMT1 (euchromatic histone lysine methyltransferase 1; plus strand). Cytogenetic location: 9q34.3.
Variant type: single nucleotide variant.
Coding change: c.3003C>A on transcript NM_024757.5 (MANE Select); coding-DNA position 3003, C replaced by A.
Protein change: p.Asp1001Glu; replaces aspartic acid 1001 with glutamic acid.
Molecular consequence: missense variant.
Genome position (GRCh38, 1-based): chr9:137,813,141, C>A. VCF-style: chr9-137813141-C-A. GRCh37 (hg19) VCF-style: chr9-140707593-C-A.
Other names: c.2982C>A, p.Asp994Glu (NM_001354263.2); short protein forms D1001E, D994E.
Identifiers: ClinVar variation 4870335 (VCV004870335.1).

ClinVar aggregate classification (germline): Uncertain significance (1 of 4 stars; one submission).

Conditions:
Inborn genetic diseases. Identifiers: MedGen C0950123, MeSH D030342.

gnomAD v4.1: 1 of 1,611,800 alleles (0.000062%); highest among the groups gnomAD compares: Admixed American, 0.0017%; no homozygotes.

Submission:

Ambry Genetics
Classification: Uncertain significance for Inborn genetic diseases. Last evaluated: 2026-05-05. Review status: criteria provided, single submitter. Criteria: Ambry Variant Classification Scheme 2023. Collection method: clinical testing. Allele origin: germline.
Comment: The c.3003C>A (p.D1001E) alteration is located in exon 20 (coding exon 20) of the EHMT1 gene. This alteration results from a C to A substitution at nucleotide position 3003, causing the aspartic acid (D) at amino acid position 1001 to be replaced by a glutamic acid (E). Based on data from gnomAD, the A allele has an overall frequency of <0.001% (1/249100) total alleles studied. The highest observed frequency was 0.003% (1/34580) of Latino alleles. Based on insufficient or conflicting evidence, the clinical significance of this alteration remains unclear.